The following is an entry in ClinVar:

ClinVar aggregate classification (germline): Uncertain significance (1 of 4 stars; one submission).

Submission:

Ambry Genetics
Classification: Uncertain significance. Last evaluated: 2021-07-31. Review status: criteria provided, single submitter. Criteria: Ambry Variant Classification Scheme 2023. Collection method: clinical testing. Allele origin: germline.
Comment: The p.E1480K variant (also known as c.4438G>A), located in coding exon 4 of the ALPK2 gene, results from a G to A substitution at nucleotide position 4438. The glutamic acid at codon 1480 is replaced by lysine, an amino acid with similar properties. This amino acid position is conserved. In addition, this alteration is predicted to be tolerated by in silico analysis. Since supporting evidence is limited at this time, the clinical significance of this alteration remains unclear.

NM_052947.4(ALPK2):c.4438G>A (p.Glu1480Lys)

Genes: ALPK2 (alpha kinase 2; minus strand), LOC126862764 (BRD4-independent group 4 enhancer GRCh37_chr18:56202574-56203773; plus strand). Cytogenetic location: 18q21.31.
Variant type: single nucleotide variant.
Coding change: c.4438G>A on transcript NM_052947.4 (MANE Select); coding-DNA position 4438, G replaced by A.
Protein change: p.Glu1480Lys; replaces glutamic acid 1480 with lysine.
Molecular consequence: missense variant.
Genome position (GRCh38, 1-based): chr18:58,535,749, C>T on the plus strand (G>A on the coding strand, the complement: ALPK2 is on the minus strand). VCF-style: chr18-58535749-C-T. GRCh37 (hg19) VCF-style: chr18-56202981-C-T.
Other names: short protein forms E1480K.
Identifiers: ClinVar variation 1740600 (VCV001740600.2), dbSNP rs2518874733, ClinGen allele CA402562471.
Genomic context (GRCh38, chr18:58,535,749, plus strand): 5'-CTTCGCTGGGTTGCAGGACTTGCCAAATGGCAGTTTTTGCCTCCTCAGGTTGAATTTGTT[C>T]AGCCTCCTGCTTCATACTGCCTTCTTGGCTTCTGCTGATTCTATTTTCACTCAGAATGGT-3'
Protein context (NP_443179.3, residues 1470-1490): SQEGSMKQEA[Glu1480Lys]QIQPEEAKTA